The following is an entry in ClinVar:

ClinVar aggregate classification (germline): Uncertain significance. Review status: criteria provided, multiple submitters, no conflicts (2 of 4 stars). 2 submissions from 2 submitters: Uncertain significance (2). Last evaluated 2023-05-16.

Allele frequency attached by ClinVar (database versions not stated): gnomAD exomes below 0.00001 and 0.00001; gnomAD 0.00001.
gnomAD v4.1: 8 of 1,613,864 alleles (0.0005%); highest among the groups gnomAD compares: East Asian, 0.0022%; no homozygotes.

Submissions (2):

GeneDx
Classification: Uncertain significance. Last evaluated: 2023-05-16. Review status: criteria provided, single submitter. Criteria: GeneDx Variant Classification Process June 2021. Collection method: clinical testing. Allele origin: germline. Affected: yes.
Comment: Not observed at significant frequency in large population cohorts (gnomAD); In silico analysis supports that this missense variant has a deleterious effect on protein structure/function; Has not been previously published as pathogenic or benign to our knowledge

Labcorp Genetics (formerly Invitae), Labcorp
Classification: Uncertain significance. Last evaluated: 2022-10-01. Review status: criteria provided, single submitter. Criteria: Invitae Variant Classification Sherloc (09022015). Collection method: clinical testing. Allele origin: germline.
Comment: Advanced modeling of protein sequence and biophysical properties (such as structural, functional, and spatial information, amino acid conservation, physicochemical variation, residue mobility, and thermodynamic stability) performed at Invitae indicates that this missense variant is not expected to disrupt SMAD2 protein function. ClinVar contains an entry for this variant (Variation ID: 1517216). This variant has not been reported in the literature in individuals affected with SMAD2-related conditions. This variant is present in population databases (no rsID available, gnomAD 0.01%). This sequence change replaces threonine, which is neutral and polar, with methionine, which is neutral and non-polar, at codon 8 of the SMAD2 protein (p.Thr8Met). In summary, the available evidence is currently insufficient to determine the role of this variant in disease. Therefore, it has been classified as a Variant of Uncertain Significance.

NM_005901.6(SMAD2):c.23C>T (p.Thr8Met)

Gene: SMAD2 (SMAD family member 2; minus strand). Cytogenetic location: 18q21.1.
Variant type: single nucleotide variant.
Coding change: c.23C>T on transcript NM_005901.6 (MANE Select); coding-DNA position 23, C replaced by T.
Protein change: p.Thr8Met; replaces threonine 8 with methionine.
Molecular consequence: missense variant.
Genome position (GRCh38, 1-based): chr18:47,896,734, G>A on the plus strand (C>T on the coding strand, the complement: SMAD2 is on the minus strand). VCF-style: chr18-47896734-G-A. GRCh37 (hg19) VCF-style: chr18-45423105-G-A.
Other names: c.23C>T (NM_005901.5); c.23C>T, p.Thr8Met (NM_001003652.4, NM_001135937.3); short protein forms T8M.
Identifiers: ClinVar variation 1517216 (VCV001517216.8), dbSNP rs1341462958, ClinGen allele CA402503657.
Genomic context (GRCh38, chr18:47,896,734, plus strand): 5'-GCTCCTCCAGACCCACCAGCTGACTTCTTCCATCCCAGCAGTCTCTTCACAACTGGCGGC[G>A]TGAATGGCAAGATGGACGACATGTTCTTACCAAAGGCAGCAAGCCACGCTAGGAAAACAG-3'
Protein context (NP_005892.1, residues 1-18): MSSILPF[Thr8Met]PPVVKRLLGW